The following is an entry in ClinVar:

ClinVar aggregate classification (germline): Pathogenic/Likely pathogenic. Review status: criteria provided, multiple submitters, no conflicts (2 of 4 stars). 2 submissions from 2 submitters: Pathogenic (1); Likely pathogenic (1). Last evaluated 2023-03-24.

Conditions:
VDR-related disorder. Also called: VDR-related condition.

Submissions (2):

Blueprint Genetics
Classification: Likely pathogenic for VDR-related disorders. Last evaluated: 2023-03-24. Review status: criteria provided, single submitter. Criteria: ACMG Guidelines, 2015. Collection method: clinical testing. Allele origin: germline. Affected: yes. Observed: 1 variant allele.

Labcorp Genetics (formerly Invitae), Labcorp
Classification: Pathogenic. Last evaluated: 2019-07-15. Review status: criteria provided, single submitter. Criteria: Invitae Variant Classification Sherloc (09022015). Collection method: clinical testing. Allele origin: germline.
Comment: This sequence change creates a premature translational stop signal (p.Ser278Tyrfs*22) in the VDR gene. It is expected to result in an absent or disrupted protein product. This variant is not present in population databases (ExAC no frequency). This variant has not been reported in the literature in individuals with VDR-related conditions. Loss-of-function variants in VDR are known to be pathogenic (PMID: 10204116, 24246681). For these reasons, this variant has been classified as Pathogenic.

Literature cited by the submitters: PubMed 10204116 (cited by Labcorp Genetics (formerly Invitae), Labcorp); PubMed 24246681 (cited by Labcorp Genetics (formerly Invitae), Labcorp).

NM_000376.3(VDR):c.832_833insA (p.Ser278fs)

Gene: VDR (vitamin D receptor; minus strand). Cytogenetic location: 12q13.11.
Variant type: Insertion.
Coding change: c.832_833insA on transcript NM_000376.3 (MANE Select); coding-DNA positions 832 to 833, A inserted.
Protein change: p.Ser278fs; shifts the reading frame from serine 278.
Molecular consequence: frameshift variant.
Genome position: GRCh38 VCF-style: chr12-47846731-G-GT. GRCh37 (hg19) VCF-style: chr12-48240514-G-GT.
Other names: c.832_833insA, p.Ser278fs (NM_001017535.2, NM_001364085.2, NM_001374661.1 and 1 more transcripts); c.982_983insA, p.Ser328fs (NM_001017536.2); short protein forms S328fs, S278fs.
Identifiers: ClinVar variation 944287 (VCV000944287.8), dbSNP rs1945288336, ClinGen allele CA1139662590.
Genomic context (GRCh38, chr12:47,846,731, plus strand): 5'-CTGACGCGGTACTTGTAGTCTTGGTTGCCACAGGTCCAGGACATGTCGTCCATGGTGAAG[G>GT]ACTCATTGGAGCGCAACATGATGACCTCAATGGCACTTGACTTCAGCAGTACGATCTGGT-3'